The following is an entry in ClinVar:

ClinVar aggregate classification (germline): Uncertain significance. Review status: criteria provided, multiple submitters, no conflicts (2 of 4 stars). 3 submissions from 3 submitters: Uncertain significance (3). Last evaluated 2025-11-04.

Conditions:
Inborn genetic diseases. Identifiers: MedGen C0950123, MeSH D030342.

Submissions (3):

Labcorp Genetics (formerly Invitae), Labcorp
Classification: Uncertain significance. Last evaluated: 2025-11-04. Review status: criteria provided, single submitter. Criteria: Invitae Variant Classification Sherloc (09022015). Collection method: clinical testing. Allele origin: germline.
Comment: This sequence change replaces isoleucine, which is neutral and non-polar, with threonine, which is neutral and polar, at codon 445 of the HPS3 protein (p.Ile445Thr). This variant is present in population databases (rs374182680, gnomAD 0.004%). This variant has not been reported in the literature in individuals affected with HPS3-related conditions. ClinVar contains an entry for this variant (Variation ID: 4272045). Invitae Evidence Modeling of protein sequence and biophysical properties (such as structural, functional, and spatial information, amino acid conservation, physicochemical variation, residue mobility, and thermodynamic stability) indicates that this missense variant is expected to disrupt HPS3 protein function with a positive predictive value of 80%. In summary, the available evidence is currently insufficient to determine the role of this variant in disease. Therefore, it has been classified as a Variant of Uncertain Significance.

Ambry Genetics
Classification: Uncertain significance for Inborn genetic diseases. Last evaluated: 2025-08-27. Review status: criteria provided, single submitter. Criteria: Ambry Variant Classification Scheme 2023. Collection method: clinical testing. Allele origin: germline.

Mayo Clinic Laboratories, Mayo Clinic
Classification: Uncertain significance. Last evaluated: 2025-05-27. Review status: criteria provided, single submitter. Criteria: ACMG Guidelines, 2015. Collection method: clinical testing. Allele origin: germline. Observed: 1 variant allele.
Comment: PM2_supporting

NM_032383.5(HPS3):c.1334T>C (p.Ile445Thr)

Gene: HPS3 (HPS3 biogenesis of lysosomal organelles complex 2 subunit 1; plus strand). Cytogenetic location: 3q24.
Variant type: single nucleotide variant.
Coding change: c.1334T>C on transcript NM_032383.5 (MANE Select); coding-DNA position 1334, T replaced by C.
Protein change: p.Ile445Thr; replaces isoleucine 445 with threonine.
Molecular consequence: missense variant.
Genome position (GRCh38, 1-based): chr3:149,153,582, T>C. VCF-style: chr3-149153582-T-C. GRCh37 (hg19) VCF-style: chr3-148871369-T-C.
Other names: p.Ile445Thr; c.839T>C, p.Ile280Thr (NM_001308258.2); short protein forms I445T, I280T.
Identifiers: ClinVar variation 4272045 (VCV004272045.3).